The following is an entry in ClinVar:

NC_000023.10:g.(?_32563266)_(32867947_?)del

Gene: DMD (dystrophin; minus strand). Cytogenetic location: Xp21.1.
Variant type: Deletion.
Identifiers: ClinVar variation 1071710 (VCV001071710.1).

ClinVar aggregate classification (germline): Pathogenic (1 of 4 stars; one submission).

Conditions:
Duchenne muscular dystrophy (DMD). Also called: MUSCULAR DYSTROPHY, PSEUDOHYPERTROPHIC PROGRESSIVE, DUCHENNE TYPE; Duchenne Muscular Dystrophy (DMD). Identifiers: Orphanet 98896, MedGen C0013264, MONDO:0010679, OMIM 310200.

Submission:

Labcorp Genetics (formerly Invitae), Labcorp
Classification: Pathogenic for Duchenne muscular dystrophy. Last evaluated: 2020-06-06. Review status: criteria provided, single submitter. Criteria: Invitae Variant Classification Sherloc (09022015). Collection method: clinical testing. Allele origin: germline.
Comment: This variant is a gross deletion of the genomic region encompassing exons 3-17 of the DMD gene. This creates a premature translational stop signal and is expected to result in an absent or disrupted protein product. Truncating variants in DMD are known to be pathogenic. This gross deletion has been reported in the literature in individuals affected with a DMD-related disease (PMID: 14977063, 16030524). For these reasons, this variant has been classified as Pathogenic.

Literature cited by the submitters: PubMed 14977063; PubMed 16030524.